The following is an entry in ClinVar:

ClinVar aggregate classification (germline): Conflicting classifications of pathogenicity. Review status: criteria provided, conflicting classifications (1 of 4 stars). 2 submissions from 2 submitters: Uncertain significance (1); Benign (1). Last evaluated 2025-12-21.

Conditions:
Hereditary cancer-predisposing syndrome. Also called: Neoplastic Syndromes, Hereditary; Hereditary Cancer Syndrome; Hereditary neoplastic syndrome; Tumor predisposition. Identifiers: Orphanet 140162, MedGen C0027672, MeSH D009386, MONDO:0015356.
Hereditary breast ovarian cancer syndrome. Also called: Hereditary breast and/or ovarian cancer syndrome; Breast and ovarian cancer; BRCA1- and BRCA2-Associated Hereditary Breast and Ovarian Cancer; Hereditary breast and ovarian cancer syndrome; Hereditary breast and ovarian cancer syndrome (HBOC); Hereditary breast and ovarian cancer. Identifiers: Orphanet 145, MedGen C0677776, MeSH D061325, MONDO:0003582. Disease mechanism: loss of function.

Allele frequency attached by ClinVar (database versions not stated): gnomAD 0.00001.

Submissions (2):

Labcorp Genetics (formerly Invitae), Labcorp
Classification: Benign for Hereditary breast ovarian cancer syndrome. Last evaluated: 2025-12-21. Review status: criteria provided, single submitter. Criteria: Invitae Variant Classification Sherloc (09022015). Collection method: clinical testing. Allele origin: germline.

Ambry Genetics
Classification: Uncertain significance for Hereditary cancer-predisposing syndrome. Last evaluated: 2023-12-14. Review status: criteria provided, single submitter. Criteria: Ambry Variant Classification Scheme 2023. Collection method: clinical testing. Allele origin: germline.
Comment: The p.D400N variant (also known as c.1198G>A), located in coding exon 9 of the BRCA1 gene, results from a G to A substitution at nucleotide position 1198. The aspartic acid at codon 400 is replaced by asparagine, an amino acid with highly similar properties. This amino acid position is not well conserved in available vertebrate species. In addition, the in silico prediction for this alteration is inconclusive. Since supporting evidence is limited at this time, the clinical significance of this alteration remains unclear.

NM_007294.4(BRCA1):c.1198G>A (p.Asp400Asn)

Gene: BRCA1 (BRCA1 DNA repair associated; minus strand). Cytogenetic location: 17q21.31.
Variant type: single nucleotide variant.
Coding change: c.1198G>A on transcript NM_007294.4 (MANE Select); coding-DNA position 1198, G replaced by A.
Protein change: p.Asp400Asn; replaces aspartic acid 400 with asparagine.
Molecular consequence: missense variant. On other transcripts: intron variant (137).
Genome position (GRCh38, 1-based): chr17:43,094,333, C>T on the plus strand (G>A on the coding strand, the complement: BRCA1 is on the minus strand). VCF-style: chr17-43094333-C-T. GRCh37 (hg19) VCF-style: chr17-41246350-C-T.
Other names: c.1198G>A, p.Asp400Asn (NM_001407621.1, NM_001407622.1, NM_001407623.1 and 30 more transcripts); c.1195G>A, p.Asp399Asn (NM_001407627.1, NM_001407628.1, NM_001407629.1 and 22 more transcripts); c.1189G>A, p.Asp397Asn (NM_001407646.1, NM_001407647.1); c.1075G>A, p.Asp359Asn (NM_001407648.1, NM_001407664.1, NM_001407665.1 and 19 more transcripts); c.1072G>A, p.Asp358Asn (NM_001407649.1, NM_001407670.1, NM_001407671.1 and 11 more transcripts); c.1120G>A, p.Asp374Asn (NM_001407653.1, NM_001407654.1, NM_001407655.1 and 4 more transcripts); c.985G>A, p.Asp329Asn (NM_001407571.1, NM_001407853.1, NM_001407894.1 and 9 more transcripts); c.1117G>A, p.Asp373Asn (NM_001407659.1, NM_001407660.1, NM_001407661.1 and 1 more transcripts); and 40 more; short protein forms D353N, D400N, D288N, D312N, D329N, D330N, D399N, D289N.
Identifiers: ClinVar variation 1060748 (VCV001060748.11), dbSNP rs2053979139, ClinGen allele CA10599656.
Genomic context (GRCh38, chr17:43,094,333, plus strand): 5'-CTACCTCATTTAGAACGTCCAATACATCAGCTACTTTGGCATTTGATTCAGACTCCCCAT[C>T]ATGTGAGTCATCAGAACCTAACAGTTCATCACTTCTGGAAAACCACTCATTAACTTTCTG-3'
Protein context (NP_009225.1, residues 390-410): DELLGSDDSH[Asp400Asn]GESESNAKVA